The following is an entry in ClinVar:

ClinVar aggregate classification (germline): Uncertain significance. Review status: criteria provided, multiple submitters, no conflicts (2 of 4 stars). 5 submissions from 5 submitters: Uncertain significance (5). Last evaluated 2025-04-15.

Conditions:
Deficiency of ferroxidase (ACEP). Also called: NEURODEGENERATION WITH BRAIN IRON ACCUMULATION 10; Deficiency of ceruloplasmin; Aceruloplasminemia; Ceruloplasmin deficiency; Familial apoceruloplasmin deficiency; Hereditary ceruloplasmin deficiency. Identifiers: Orphanet 48818, MedGen C0878682, MONDO:0011426, OMIM 604290, HP:0025498.

Allele frequency attached by ClinVar (database versions not stated): gnomAD exomes 0.00010 and 0.00004; 1000 Genomes Project 30x 0.00047; ExAC 0.00015; gnomAD 0.00037 and 0.00036; TOPMed 0.00039; 1000 Genomes Project 0.00060; ESP Exome Variant Server 0.00069.
gnomAD v4.1: 122 of 1,614,082 alleles (0.0076%); highest among the groups gnomAD compares: African/African-American, 0.14%; no homozygotes.

Submissions (6):

Mayo Clinic Laboratories, Mayo Clinic
Classification: Uncertain significance. Last evaluated: 2025-04-15. Review status: criteria provided, single submitter. Criteria: ACMG Guidelines, 2015. Collection method: clinical testing. Allele origin: germline. Observed: 1 variant allele.
Comment: BS1

Labcorp Genetics (formerly Invitae), Labcorp
Classification: Uncertain significance for Deficiency of ferroxidase. Last evaluated: 2024-10-28. Review status: criteria provided, single submitter. Criteria: Invitae Variant Classification Sherloc (09022015). Collection method: clinical testing. Allele origin: germline.
Comment: This sequence change replaces serine, which is neutral and polar, with arginine, which is basic and polar, at codon 501 of the CP protein (p.Ser501Arg). This variant is present in population databases (rs139756428, gnomAD 0.1%). This variant has not been reported in the literature in individuals affected with CP-related conditions. ClinVar contains an entry for this variant (Variation ID: 1495889). An algorithm developed to predict the effect of missense changes on protein structure and function outputs the following: PolyPhen-2: "Benign". The arginine amino acid residue is found in multiple mammalian species, which suggests that this missense change does not adversely affect protein function. In summary, the available evidence is currently insufficient to determine the role of this variant in disease. Therefore, it has been classified as a Variant of Uncertain Significance.

GeneDx
Classification: Uncertain significance. Last evaluated: 2023-08-10. Review status: criteria provided, single submitter. Criteria: GeneDx Variant Classification Process June 2021. Collection method: clinical testing. Allele origin: germline. Affected: yes.
Comment: In silico analysis supports that this missense variant does not alter protein structure/function; Has not been previously published as pathogenic or benign to our knowledge

Fulgent Genetics
Classification: Uncertain significance for Deficiency of ferroxidase. Last evaluated: 2022-03-28. Review status: criteria provided, single submitter. Criteria: ACMG Guidelines, 2015. Collection method: clinical testing. Allele origin: unknown.

Breakthrough Genomics
Classification: Uncertain significance. Review status: criteria provided, single submitter. Criteria: ACMG Guidelines, 2015. Collection method: not provided. Allele origin: germline. Inheritance: Autosomal recessive inheritance. Affected: yes.

Dr. Peter K. Rogan Lab, Western University
No classification provided (evidence only). Condition: Uterine corpus endometrial carcinoma. Review status: no classification provided. Collection method: in vitro. Allele origin: not applicable. Functional consequence: retained intron. Not counted in ClinVar's aggregate classification.

NM_000096.4(CP):c.1501A>C (p.Ser501Arg)

Gene: CP (ceruloplasmin; minus strand). Cytogenetic location: 3q24.
Variant type: single nucleotide variant.
Coding change: c.1501A>C on transcript NM_000096.4 (MANE Select); coding-DNA position 1501, A replaced by C.
Protein change: p.Ser501Arg; replaces serine 501 with arginine.
Molecular consequence: missense variant. On other transcripts: non-coding transcript variant (1).
Genome position (GRCh38, 1-based): chr3:149,199,712, T>G on the plus strand (A>C on the coding strand, the complement: CP is on the minus strand). VCF-style: chr3-149199712-T-G. GRCh37 (hg19) VCF-style: chr3-148917499-T-G.
Other names: p.Ser501Arg; c.1501A>C (NM_000096.3); short protein forms S501R.
Identifiers: ClinVar variation 1495889 (VCV001495889.9), dbSNP rs139756428, ClinGen allele CA2660997.
Genomic context (GRCh38, chr3:149,199,712, plus strand): 5'-GTGACCAGTACAGTGGGTTATTAAACATTGTTGATTTGTTACACAGTGCTGTATACTCAC[T>G]TCTGCTCTGGGGGTTGTAATTTGGGGAATAGTATGTGCCCTCGTTGTTCTTATTGAATCT-3'
Protein context (NP_000087.2, residues 491-511): YSPNYNPQSR[Ser501Arg]VPPSASHVAP